The following is an entry in ClinVar:

NM_000222.3(KIT):c.2162A>G (p.Tyr721Cys)

Gene: KIT (KIT proto-oncogene, receptor tyrosine kinase; plus strand). Cytogenetic location: 4q12.
Variant type: single nucleotide variant.
Coding change: c.2162A>G on transcript NM_000222.3 (MANE Select); coding-DNA position 2162, A replaced by G.
Protein change: p.Tyr721Cys; replaces tyrosine 721 with cysteine.
Molecular consequence: missense variant.
Genome position (GRCh38, 1-based): chr4:54,731,348, A>G. VCF-style: chr4-54731348-A-G. GRCh37 (hg19) VCF-style: chr4-55597514-A-G.
Other names: c.2150A>G, p.Tyr717Cys (NM_001093772.2, NM_001385292.1); c.2165A>G, p.Tyr722Cys (NM_001385284.1); c.2159A>G, p.Tyr720Cys (NM_001385285.1); c.2147A>G, p.Tyr716Cys (NM_001385286.1); c.2153A>G, p.Tyr718Cys (NM_001385288.1); c.2162A>G, p.Tyr721Cys (NM_001385290.1); short protein forms Y718C, Y722C, Y721C, Y717C, Y716C, Y720C.
Identifiers: ClinVar variation 1498465 (VCV001498465.8), dbSNP rs2109792277, ClinGen allele CA356910155.

ClinVar aggregate classification (germline): Uncertain significance (1 of 4 stars; one submission).

Conditions:
Gastrointestinal stromal tumor. Also called: Gastrointestinal stroma tumor; Gastrointestinal stromal tumor, somatic. Identifiers: Orphanet 44890, MedGen C0238198, MeSH D046152, MONDO:0011719, OMIM 606764, HP:0100723.

Submission:

Labcorp Genetics (formerly Invitae), Labcorp
Classification: Uncertain significance for Gastrointestinal stromal tumor. Last evaluated: 2020-10-26. Review status: criteria provided, single submitter. Criteria: Invitae Variant Classification Sherloc (09022015). Collection method: clinical testing. Allele origin: germline.
Comment: This sequence change replaces tyrosine with cysteine at codon 721 of the KIT protein (p.Tyr721Cys). The tyrosine residue is highly conserved and there is a large physicochemical difference between tyrosine and cysteine. This variant is not present in population databases (ExAC no frequency). This variant has not been reported in the literature in individuals with KIT-related conditions. Algorithms developed to predict the effect of missense changes on protein structure and function (SIFT, PolyPhen-2, Align-GVGD) all suggest that this variant is likely to be disruptive, but these predictions have not been confirmed by published functional studies and their clinical significance is uncertain. In summary, the available evidence is currently insufficient to determine the role of this variant in disease. Therefore, it has been classified as a Variant of Uncertain Significance.